The following is an entry in ClinVar:

NM_032119.4(ADGRV1):c.18852G>T (p.Glu6284Asp)

Gene: ADGRV1 (adhesion G protein-coupled receptor V1; plus strand). Cytogenetic location: 5q14.3.
Variant type: single nucleotide variant.
Coding change: c.18852G>T on transcript NM_032119.4 (MANE Select); coding-DNA position 18852, G replaced by T.
Protein change: p.Glu6284Asp; replaces glutamic acid 6284 with aspartic acid.
Molecular consequence: missense variant. On other transcripts: non-coding transcript variant (1).
Genome position (GRCh38, 1-based): chr5:91,163,831, G>T. VCF-style: chr5-91163831-G-T. GRCh37 (hg19) VCF-style: chr5-90459648-G-T.
Other names: short protein forms E6284D.
Identifiers: ClinVar variation 940062 (VCV000940062.7), dbSNP rs747410637, ClinGen allele CA360432944.

ClinVar aggregate classification (germline): Uncertain significance (1 of 4 stars; one submission).

Submission:

Labcorp Genetics (formerly Invitae), Labcorp
Classification: Uncertain significance. Last evaluated: 2021-09-01. Review status: criteria provided, single submitter. Criteria: Invitae Variant Classification Sherloc (09022015). Collection method: clinical testing. Allele origin: germline.
Comment: This sequence change replaces glutamic acid with aspartic acid at codon 6284 of the ADGRV1 protein (p.Glu6284Asp). The glutamic acid residue is weakly conserved and there is a small physicochemical difference between glutamic acid and aspartic acid. This variant is not present in population databases (ExAC no frequency). This variant has not been reported in the literature in individuals affected with ADGRV1-related conditions. Algorithms developed to predict the effect of missense changes on protein structure and function are either unavailable or do not agree on the potential impact of this missense change (SIFT: "Tolerated"; PolyPhen-2: "Possibly Damaging"; Align-GVGD: "Class C0"). In summary, the available evidence is currently insufficient to determine the role of this variant in disease. Therefore, it has been classified as a Variant of Uncertain Significance.